The following is an entry in ClinVar:

NM_004655.4(AXIN2):c.1233C>G (p.Leu411=)

Gene: AXIN2 (axin 2; minus strand). Cytogenetic location: 17q24.1.
Variant type: single nucleotide variant.
Coding change: c.1233C>G on transcript NM_004655.4 (MANE Select); coding-DNA position 1233, C replaced by G.
Protein change: p.Leu411=; no amino-acid change (leucine 411 retained).
Molecular consequence: synonymous variant.
Genome position (GRCh38, 1-based): chr17:65,537,803, G>C on the plus strand (C>G on the coding strand, the complement: AXIN2 is on the minus strand). VCF-style: chr17-65537803-G-C. GRCh37 (hg19) VCF-style: chr17-63533921-G-C.
Other names: c.1233C>G, p.Leu411= (NM_001363813.1).
Identifiers: ClinVar variation 2742589 (VCV002742589.5), dbSNP rs747555966, ClinGen allele CA8718707.

ClinVar aggregate classification (germline): Benign/Likely benign. Review status: criteria provided, multiple submitters, no conflicts (2 of 4 stars). 3 submissions from 3 submitters: Benign (1); Likely benign (2). Last evaluated 2024-07-02.

Conditions:
Hereditary cancer-predisposing syndrome. Also called: Hereditary Cancer Syndrome; Neoplastic Syndromes, Hereditary; Hereditary neoplastic syndrome; Tumor predisposition. Identifiers: Orphanet 140162, MedGen C0027672, MeSH D009386, MONDO:0015356.
Oligodontia-cancer predisposition syndrome. Also called: TOOTH AGENESIS-COLORECTAL CANCER SYNDROME. Identifiers: Orphanet 300576, MedGen C1837750, MONDO:0012075, OMIM 608615. Disease mechanism: loss of function.

gnomAD v4.1: 6 of 1,585,592 alleles (0.00038%); highest among the groups gnomAD compares: South Asian, 0.0058%; no homozygotes.

Submissions (3):

Myriad Genetics, Inc.
Classification: Benign for Oligodontia-cancer predisposition syndrome. Last evaluated: 2024-07-02. Review status: criteria provided, single submitter. Criteria: Myriad Autosomal Dominant, Autosomal Recessive and X-Linked Classification Criteria (2023). Collection method: clinical testing. Allele origin: unknown.
Comment: This variant is considered benign. This variant is a silent/synonymous amino acid change and it is not expected to impact splicing.

Labcorp Genetics (formerly Invitae), Labcorp
Classification: Likely benign for Oligodontia-cancer predisposition syndrome. Last evaluated: 2024-05-06. Review status: criteria provided, single submitter. Criteria: Invitae Variant Classification Sherloc (09022015). Collection method: clinical testing. Allele origin: germline.

Ambry Genetics
Classification: Likely benign for Hereditary cancer-predisposing syndrome. Last evaluated: 2024-04-06. Review status: criteria provided, single submitter. Criteria: Ambry Variant Classification Scheme 2023. Collection method: clinical testing. Allele origin: germline.